The following is an entry in ClinVar:

NM_032447.5(FBN3):c.6595C>T (p.Arg2199Trp)

Gene: FBN3 (fibrillin 3; minus strand). Cytogenetic location: 19p13.2.
Variant type: single nucleotide variant.
Coding change: c.6595C>T on transcript NM_032447.5 (MANE Select); coding-DNA position 6595, C replaced by T.
Protein change: p.Arg2199Trp; replaces arginine 2199 with tryptophan.
Molecular consequence: missense variant.
Genome position (GRCh38, 1-based): chr19:8,087,849, G>A on the plus strand (C>T on the coding strand, the complement: FBN3 is on the minus strand). VCF-style: chr19-8087849-G-A. GRCh37 (hg19) VCF-style: chr19-8152733-G-A.
Other names: c.6595C>T, p.Arg2199Trp (NM_001321431.2); short protein forms R2199W.
Identifiers: ClinVar variation 2853293 (VCV002853293.7), dbSNP rs145108656, ClinGen allele CA9151221.
Genomic context (GRCh38, chr19:8,087,849, plus strand): 5'-GTAGAGACAGGGTTTTACCATATTAGTCAGGCCTACCTCGACACATGGCCCCATCCTCCC[G>A]CAGGGTGTAGCCGGCTGGACAGGTGCACAGGTAGGAGCCCTCGGTATTGTGGCAGCGGAA-3'
Protein context (NP_115823.3, residues 2189-2209): LCTCPAGYTL[Arg2199Trp]EDGAMCRDVD

ClinVar aggregate classification (germline): Uncertain significance. Review status: criteria provided, multiple submitters, no conflicts (2 of 4 stars). 2 submissions from 2 submitters: Uncertain significance (2). Last evaluated 2026-02-01.

Allele frequency attached by ClinVar (database versions not stated): gnomAD 0.00005; ExAC 0.00006; TOPMed 0.00007; ESP Exome Variant Server 0.00015.
gnomAD v4.1: 126 of 1,613,856 alleles (0.0078%); highest among the groups gnomAD compares: Middle Eastern, 0.033%; no homozygotes.

Submissions (2):

CeGaT Center for Human Genetics Tuebingen
Classification: Uncertain significance. Last evaluated: 2026-02-01. Review status: criteria provided, single submitter. Criteria: CeGaT Center For Human Genetics Tuebingen Variant Classification Criteria Version 2. Collection method: clinical testing. Allele origin: germline. Affected: yes. Observed: 1 variant allele.
Comment: FBN3: PM2

Labcorp Genetics (formerly Invitae), Labcorp
Classification: Uncertain significance. Last evaluated: 2024-07-04. Review status: criteria provided, single submitter. Criteria: Invitae Variant Classification Sherloc (09022015). Collection method: clinical testing. Allele origin: germline.
Comment: This sequence change replaces arginine, which is basic and polar, with tryptophan, which is neutral and slightly polar, at codon 2199 of the FBN3 protein (p.Arg2199Trp). This variant is present in population databases (rs145108656, gnomAD 0.02%). This variant has not been reported in the literature in individuals affected with FBN3-related conditions. Advanced modeling of protein sequence and biophysical properties (such as structural, functional, and spatial information, amino acid conservation, physicochemical variation, residue mobility, and thermodynamic stability) performed at Invitae indicates that this missense variant is expected to disrupt FBN3 protein function with a positive predictive value of 80%. In summary, the available evidence is currently insufficient to determine the role of this variant in disease. Therefore, it has been classified as a Variant of Uncertain Significance.